The following is an entry in ClinVar:

NM_001754.5(RUNX1):c.74T>G (p.Met25Arg)

Gene: RUNX1 (RUNX family transcription factor 1; minus strand). Cytogenetic location: 21q22.12.
Variant type: single nucleotide variant.
Coding change: c.74T>G on transcript NM_001754.5 (MANE Select); coding-DNA position 74, T replaced by G.
Protein change: p.Met25Arg; replaces methionine 25 with arginine.
Molecular consequence: missense variant.
Genome position (GRCh38, 1-based): chr21:34,892,948, A>C on the plus strand (T>G on the coding strand, the complement: RUNX1 is on the minus strand). VCF-style: chr21-34892948-A-C. GRCh37 (hg19) VCF-style: chr21-36265245-A-C.
Other names: NM_001754.5(RUNX1):c.74T>G; p.Met25Arg; short protein forms M25R.
Identifiers: ClinVar variation 1009232 (VCV001009232.9), dbSNP rs1389244175, ClinGen allele CA410205735.
Genomic context (GRCh38, chr21:34,892,948, plus strand): 5'-TACTTTATTTAAAAATATAACTTGGAATTTAACATACCGTGGACGTCTCTAGAAGGATTC[A>C]TTCCAAGTATGCATTCTGAAATAACAGAAAGTAGGAAAATAAAAGTAATGCAAGTTTAAA-3'
Protein context (NP_001745.2, residues 15-35): QCFMRECILG[Met25Arg]NPSRDVHDAS

ClinVar aggregate classification (germline): Uncertain significance. Review status: reviewed by expert panel (3 of 4 stars). 2 submissions from 2 submitters: Uncertain significance (1). 1 of the submissions does not count toward it. Last evaluated 2024-08-12.

Conditions:
Hereditary thrombocytopenia and hematologic cancer predisposition syndrome. Identifiers: Orphanet 71290, MedGen CN281654, MONDO:0011071.
Hereditary thrombocytopenia and hematological cancer predisposition syndrome associated with RUNX1. Also called: Familial thrombocytopenia with propensity to acute myelogenous leukemia; PLATELET DISORDER, ASPIRIN-LIKE; RUNX1 Familial Platelet Disorder with Associated Myeloid Malignancies; Familial Platelet Disorder with Propensity to Acute Myelogenous Leukemia. Identifiers: Orphanet 71290, MedGen C1832388, MeSH C563324, MONDO:0100083, OMIM 601399.

Submissions (2):

ClinGen Myeloid Malignancy Variant Curation Expert Panel
Classification: Uncertain significance for Hereditary thrombocytopenia and hematologic cancer predisposition syndrome. Last evaluated: 2024-08-12. Review status: reviewed by expert panel. Criteria: ClinGen MyeloMalig ACMG Specifications v2. Collection method: curation. Allele origin: germline. Inheritance: Autosomal dominant inheritance.
Comment: NM_001754.5(RUNX1):c.74T>G (p.Met25Arg) is a missense variant which is absent from gnomAD v2 and v3 (PM2_Supporting). It also has not been reported in patients with the RUNX1-defined phenotype. The computational predictor REVEL gives a score of 0.26, which is below the threshold of 0.50, and the splice site predictor SpliceAI indicated that the variant has no impact on splicing, evidence that does not predict a damaging effect on RUNX1 function (BP4). In summary, this variant meets the criteria to be classified as a variant of uncertain significance for hereditary thrombocytopenia and hematologic cancer predisposition syndrome based on the ACMG/AMP criteria applied, as specified by the ClinGen Myeloid Malignancy VCEP: PM2_Supporting and BP4.

Labcorp Genetics (formerly Invitae), Labcorp
Classification: Uncertain significance for Hereditary thrombocytopenia and hematological cancer predisposition syndrome associated with RUNX1. Last evaluated: 2020-09-13. Review status: criteria provided, single submitter. Criteria: Invitae Variant Classification Sherloc (09022015). Collection method: clinical testing. Allele origin: germline. Not counted in ClinVar's aggregate classification.
Comment: This variant is not present in population databases (ExAC no frequency). This sequence change replaces methionine with arginine at codon 25 of the RUNX1 protein (p.Met25Arg). The methionine residue is weakly conserved and there is a moderate physicochemical difference between methionine and arginine. Algorithms developed to predict the effect of missense changes on protein structure and function (SIFT, PolyPhen-2, Align-GVGD) all suggest that this variant is likely to be tolerated, but these predictions have not been confirmed by published functional studies and their clinical significance is uncertain. This variant has not been reported in the literature in individuals with RUNX1-related conditions. In summary, the available evidence is currently insufficient to determine the role of this variant in disease. Therefore, it has been classified as a Variant of Uncertain Significance.